The following is an entry in ClinVar:

ClinVar aggregate classification (germline): Pathogenic. Review status: reviewed by expert panel (3 of 4 stars). 21 submissions from 21 submitters: Pathogenic (1). 20 of the submissions do not count toward it. Last evaluated 2016-09-08.

Conditions:
Breast and/or ovarian cancer. Identifiers: MedGen CN221562.
Hereditary cancer-predisposing syndrome. Also called: Hereditary Cancer Syndrome; Tumor predisposition; Neoplastic Syndromes, Hereditary; Hereditary neoplastic syndrome. Identifiers: Orphanet 140162, MedGen C0027672, MeSH D009386, MONDO:0015356.
Hereditary breast ovarian cancer syndrome. Also called: Breast and ovarian cancer; Hereditary breast and ovarian cancer syndrome; Hereditary breast and ovarian cancer; Hereditary breast and/or ovarian cancer syndrome; BRCA1- and BRCA2-Associated Hereditary Breast and Ovarian Cancer; Hereditary breast and ovarian cancer syndrome (HBOC). Identifiers: Orphanet 145, MedGen C0677776, MeSH D061325, MONDO:0003582. Disease mechanism: loss of function.
Breast-ovarian cancer, familial, susceptibility to, 2 (BROVCA2). Also called: BRCA2 Hereditary Breast and Ovarian Cancer. Identifiers: Orphanet 145, MedGen C2675520, MONDO:0012933, OMIM 612555. Disease mechanism: loss of function.
Familial cancer of breast. Also called: BREAST CANCER, FAMILIAL; hereditary breast carcinoma; Hereditary breast cancer. Identifiers: Orphanet 227535, MedGen C0346153, MONDO:0016419, OMIM 114480. Disease mechanism: loss of function.

Submissions 1 to 10 of 21:

Evidence-based Network for the Interpretation of Germline Mutant Alleles (ENIGMA)
Classification: Pathogenic for Breast-ovarian cancer, familial, susceptibility to, 2. Last evaluated: 2016-09-08. Review status: reviewed by expert panel. Criteria: ENIGMA BRCA1/2 Classification Criteria (2015). Collection method: curation. Allele origin: germline.
Comment: Variant allele predicted to encode a truncated non-functional protein.

Department of Clinical Genetics, Copenhagen University Hospital, Rigshospitalet
Classification: Pathogenic for Familial cancer of breast. Last evaluated: 2026-04-13. Review status: criteria provided, single submitter. Criteria: ACMG Guidelines, 2015. Collection method: clinical testing. Allele origin: germline. Not counted in ClinVar's aggregate classification.
Comment: The following ACMG criteria has been used: PVS1; PM5_PTC_Strong

Women's Health and Genetics/Laboratory Corporation of America, LabCorp
Classification: Pathogenic for Hereditary breast ovarian cancer syndrome. Last evaluated: 2025-12-03. Review status: criteria provided, single submitter. Criteria: LabCorp Variant Classification Summary - May 2015. Collection method: clinical testing. Allele origin: germline. Not counted in ClinVar's aggregate classification.
Comment: Variant summary: BRCA2 c.2588dupA (p.Asn863LysfsX18) results in a premature termination codon, predicted to cause a truncation of the encoded protein or absence of the protein due to nonsense mediated decay, which are commonly known mechanisms for disease. The variant allele was found at a frequency of 8.8e-06 in 227148 control chromosomes. c.2588dupA has been observed in multiple individuals affected with Hereditary Breast And Ovarian Cancer Syndrome (example: Frank_1998, Zheng_2018, Gao_2000, Euhus_2002, Kanaan_2003, Risch_2006). These data indicate that the variant is very likely to be associated with disease. The following publications have been ascertained in the context of this evaluation (PMID: 12048272, 9667259, 11030417, 12942367, 17148771, 30130155). ClinVar contains an entry for this variant (Variation ID: 37793). Based on the evidence outlined above, the variant was classified as pathogenic.

Labcorp Genetics (formerly Invitae), Labcorp
Classification: Pathogenic for Hereditary breast ovarian cancer syndrome. Last evaluated: 2025-11-17. Review status: criteria provided, single submitter. Criteria: Invitae Variant Classification Sherloc (09022015). Collection method: clinical testing. Allele origin: germline. Not counted in ClinVar's aggregate classification.
Comment: This sequence change creates a premature translational stop signal (p.Asn863Lysfs*18) in the BRCA2 gene. It is expected to result in an absent or disrupted protein product. Loss-of-function variants in BRCA2 are known to be pathogenic (PMID: 20104584). The frequency data for this variant in the population databases is considered unreliable, as metrics indicate poor data quality at this position in the gnomAD database. This premature translational stop signal has been observed in individual(s) with breast cancer, ovarian cancer, and Fanconi anemia (PMID: 11030417, 15070707, 21324516, 24728189). This variant is also known as 2816insA. ClinVar contains an entry for this variant (Variation ID: 37793). For these reasons, this variant has been classified as Pathogenic.

Ambry Genetics
Classification: Pathogenic for Hereditary cancer-predisposing syndrome. Last evaluated: 2024-06-28. Review status: criteria provided, single submitter. Criteria: Ambry Variant Classification Scheme 2023. Collection method: clinical testing. Allele origin: germline. Not counted in ClinVar's aggregate classification.
Comment: The c.2588dupA pathogenic mutation, located in coding exon 10 of the BRCA2 gene, results from a duplication of A at nucleotide position 2588, causing a translational frameshift with a predicted alternate stop codon (p.N863Kfs*18). This mutation has been identified in multiple individuals with personal and/or family histories of breast, ovarian, and pancreatic cancers (Gao Q et al. Hum. Genet. 2000 Aug;107:186-91; Zhang S et al. Gynecol. Oncol. 2011 May;121:353-7; Song H et al. Hum. Mol. Genet. 2014 Sep;23:4703-9; Park JS et al. Clin Breast Cancer, 2018 10;18:362-373.e1; Dorling et al. N Engl J Med. 2021 02;384:428-439). Reports of this alteration in individuals of French Canadian ancestry suggest a founder effect in this population (Tonin PN et al. Am. J. Hum. Genet. 1998 Nov;63:1341-51; Cavallone L et al. Fam. Cancer 2010 Dec;9:507-17). Of note, this alteration is also designated as 2816insA in published literature. In addition to the clinical data presented in the literature, this alteration is expected to result in loss of function by premature protein truncation or nonsense-mediated mRNA decay. As such, this alteration is interpreted as a disease-causing mutation.

Revvity Omics, Revvity
Classification: Pathogenic. Last evaluated: 2024-05-23. Review status: criteria provided, single submitter. Criteria: ACMG Guidelines, 2015. Collection method: clinical testing. Allele origin: germline. Not counted in ClinVar's aggregate classification.

Color Diagnostics, LLC DBA Color Health
Classification: Pathogenic for Hereditary cancer-predisposing syndrome. Last evaluated: 2024-04-29. Review status: criteria provided, single submitter. Criteria: ACMG Guidelines, 2015. Collection method: clinical testing. Allele origin: germline. Not counted in ClinVar's aggregate classification.
Comment: This variant inserts 1 nucleotide in exon 11 of the BRCA2 gene, creating a frameshift and premature translation stop signal. This variant is expected to result in an absent or non-functional protein product. This variant has been reported in individuals affected with breast cancer (PMID: 16760289, 25428789, 30130155) and ovarian cancer (PMID: 21324516, 24728189). This variant has been identified in 2/227148 chromosomes in the general population by the Genome Aggregation Database (gnomAD). Loss of BRCA2 function is a known mechanism of disease. Based on the available evidence, this variant is classified as Pathogenic.

Baylor Genetics
Classification: Pathogenic for Familial cancer of breast. Last evaluated: 2024-03-19. Review status: criteria provided, single submitter. Criteria: ACMG Guidelines, 2015. Collection method: clinical testing. Allele origin: unknown. Not counted in ClinVar's aggregate classification.

All of Us Research Program, National Institutes of Health
Classification: Pathogenic for Breast-ovarian cancer, familial, susceptibility to, 2. Last evaluated: 2023-12-10. Review status: criteria provided, single submitter. Criteria: ACMG Guidelines, 2015. Collection method: clinical testing. Allele origin: germline. Inheritance: Autosomal dominant inheritance. Observed: 1 variant allele, 1 heterozygote. Not counted in ClinVar's aggregate classification.
Comment: The c.2588dup (p.Asn863Lysfs*18) variant in the BRCA2 gene is located on the exon 11 and is predicted to cause shift of reading frame that introduces a premature translation termination codon (p.Asn863Lysfs*18), resulting in an absent or disrupted protein product. The variant has been reported in multiple individuals with breast and/or ovarian cancer (PMID: 25863477, 20694749, 21324516, 12942367, 9792861). Loss-of-function variants of BRCA2 are known to be pathogenic (PMID: 8988179, 11897832, 29446198). The variant is reported in ClinVar as pathogenic (ID: 37793) and reviewed by the expert panel. The variant is rare in general population according to gnomAD (2/227148). Therefore, the c.2588dup (p.Asn863Lysfs*18) variant of BRCA2 has been classified as pathogenic.

This study involves interpretation of variants in research participants for the purpose of population health screening. Participant phenotype was not available at the time of variant classification. Additional details can be found in publication PMID: 35346344, PMCID: PMC8962531

Quest Diagnostics Nichols Institute San Juan Capistrano
Classification: Pathogenic. Last evaluated: 2023-10-10. Review status: criteria provided, single submitter. Criteria: Quest Diagnostics criteria. Collection method: clinical testing. Allele origin: unknown. Not counted in ClinVar's aggregate classification.
Comment: The BRCA2 c.2588dup (p.Asn863Lysfs*18) variant (also known as 2816insA) alters the translational reading frame of the BRCA2 mRNA and causes the premature termination of BRCA2 protein synthesis. In the published literature, this variant has been reported in individuals with breast and/or ovarian cancer (PMIDs: 29673794 (2018), 24728189 (2014), 21324516 (2011), 20694749 (2010), 11030417 (2000), 9792861 (1998)), and in an individual with Fanconi anemia (PMID: 15070707 (2004)). The frequency of this variant in the general population, 0.0000088 (2/227148 chromosomes (Genome Aggregation Database)), is consistent with pathogenicity. Based on the available information, this variant is classified as pathogenic.

NM_000059.4(BRCA2):c.2588dup (p.Asn863fs)

Gene: BRCA2 (BRCA2 DNA repair associated; plus strand). Cytogenetic location: 13q13.1.
Variant type: Duplication.
Coding change: c.2588dup on transcript NM_000059.4 (MANE Select); coding-DNA position 2588, one base duplicated (A; older notation c.2588dupA).
Protein change: p.Asn863fs; shifts the reading frame from asparagine 863.
Molecular consequence: frameshift variant.
Genome position (GRCh38, 1-based): chr13:32,336,943, A duplicated; the last of 7 consecutive A bases (chr13:32,336,937-32,336,943); duplicating any one gives the same sequence. VCF-style (leftmost placement, unchanged base first): chr13-32336936-C-CA. GRCh37 (hg19) VCF-style: chr13-32911073-C-CA.
Other names: 2810insA; 2816insA; c.2588dupA (NM_000059.3); c.2581_2582insA (NM_000059.3); short protein forms N863fs.
Identifiers: ClinVar variation 37793 (VCV000037793.45), dbSNP rs80359335, ClinGen allele CA015689.
Genomic context (GRCh38, chr13:32,336,936, plus strand): 5'-AGAGTAGCATCACCTTCAAGAAAGGTACAATTCAACCAAAACACAAATCTAAGAGTAATC[C>CA]AAAAAAATCAAGAAGAAACTACTTCAATTTCAAAAATAACTGTCAATCCAGACTCTGAAG-3'